The following is an entry in ClinVar:

ClinVar aggregate classification (germline): Uncertain significance (1 of 4 stars; one submission).

Conditions:
Menkes kinky-hair syndrome (MNK). Also called: Menkes Disease; Copper transport disease; Classic Menkes Disease. Identifiers: Orphanet 565, MedGen C0022716, MONDO:0010651, OMIM 309400.
Cutis laxa, X-linked (OHS). Also called: EDS IX; Occipital horn syndrome. Identifiers: Orphanet 198, MedGen C0268353, MONDO:0010572, OMIM 304150.
X-linked distal spinal muscular atrophy type 3. Also called: ATP7A-Related Distal Motor Neuropathy; SPINAL MUSCULAR ATROPHY, DISTAL, X-LINKED RECESSIVE; NEURONOPATHY, DISTAL HEREDITARY MOTOR, X-LINKED; NEUROPATHY, DISTAL HEREDITARY MOTOR, X-LINKED. Identifiers: Orphanet 139557, MedGen C1845359, MONDO:0010338, OMIM 300489.

Submission:

Labcorp Genetics (formerly Invitae), Labcorp
Classification: Uncertain significance for X-linked distal spinal muscular atrophy type 3; Cutis laxa, X-linked; Menkes kinky-hair syndrome. Last evaluated: 2025-06-24. Review status: criteria provided, single submitter. Criteria: Invitae Variant Classification Sherloc (09022015). Collection method: clinical testing. Allele origin: germline.
Comment: This sequence change replaces glutamic acid, which is acidic and polar, with alanine, which is neutral and non-polar, at codon 1155 of the ATP7A protein (p.Glu1155Ala). This variant is not present in population databases (gnomAD no frequency). This variant has not been reported in the literature in individuals affected with ATP7A-related conditions. Invitae Evidence Modeling of protein sequence and biophysical properties (such as structural, functional, and spatial information, amino acid conservation, physicochemical variation, residue mobility, and thermodynamic stability) indicates that this missense variant is not expected to disrupt ATP7A protein function with a negative predictive value of 95%. In summary, the available evidence is currently insufficient to determine the role of this variant in disease. Therefore, it has been classified as a Variant of Uncertain Significance.

NM_000052.7(ATP7A):c.3464A>C (p.Glu1155Ala)

Gene: ATP7A (ATPase copper transporting alpha; plus strand). Cytogenetic location: Xq21.1.
Variant type: single nucleotide variant.
Coding change: c.3464A>C on transcript NM_000052.7 (MANE Select); coding-DNA position 3464, A replaced by C.
Protein change: p.Glu1155Ala; replaces glutamic acid 1155 with alanine.
Molecular consequence: missense variant. On other transcripts: non-coding transcript variant (1).
Genome position (GRCh38, 1-based): chrX:78,033,774, A>C. VCF-style: chrX-78033774-A-C. GRCh37 (hg19) VCF-style: chrX-77289272-A-C.
Other names: c.3230A>C, p.Glu1077Ala (NM_001282224.2); short protein forms E1077A, E1155A.
Identifiers: ClinVar variation 4789095 (VCV004789095.1).